The following is an entry in ClinVar:

NM_001080414.4(CCDC88C):c.1720C>T (p.Arg574Trp)

Gene: CCDC88C (coiled-coil and HOOK domain protein 88C; minus strand). Cytogenetic location: 14q32.11.
Variant type: single nucleotide variant.
Coding change: c.1720C>T on transcript NM_001080414.4 (MANE Select); coding-DNA position 1720, C replaced by T.
Protein change: p.Arg574Trp; replaces arginine 574 with tryptophan.
Molecular consequence: missense variant.
Genome position (GRCh38, 1-based): chr14:91,314,096, G>A on the plus strand (C>T on the coding strand, the complement: CCDC88C is on the minus strand). VCF-style: chr14-91314096-G-A. GRCh37 (hg19) VCF-style: chr14-91780440-G-A.
Other names: c.1720C>T (NM_001080414.3); short protein forms R574W.
Identifiers: ClinVar variation 2146914 (VCV002146914.4), dbSNP rs762029178, ClinGen allele CA7309829.

ClinVar aggregate classification (germline): Conflicting classifications of pathogenicity. Review status: criteria provided, conflicting classifications (1 of 4 stars). 3 submissions from 3 submitters: Uncertain significance (2); Likely benign (1). Last evaluated 2026-02-01.

Conditions:
Inborn genetic diseases. Identifiers: MedGen C0950123, MeSH D030342.
Hydrocephalus, nonsyndromic, autosomal recessive 1 (HYC1). Also called: Hydrocephalus, nonsyndromic, autosomal recessive; Congenital hydrocephalus 1. Identifiers: Orphanet 2185, MedGen C3887608, MONDO:0009360, OMIM 236600.

Allele frequency attached by ClinVar (database versions not stated): gnomAD 0.00001; gnomAD exomes 0.00003; TOPMed 0.00003; ExAC 0.00004.
gnomAD v4.1: 42 of 1,613,444 alleles (0.0026%); highest among the groups gnomAD compares: East Asian, 0.029%; no homozygotes.

Submissions (3):

Labcorp Genetics (formerly Invitae), Labcorp
Classification: Uncertain significance. Last evaluated: 2026-02-01. Review status: criteria provided, single submitter. Criteria: Invitae Variant Classification Sherloc (09022015). Collection method: clinical testing. Allele origin: germline.
Comment: This sequence change replaces arginine, which is basic and polar, with tryptophan, which is neutral and slightly polar, at codon 574 of the CCDC88C protein (p.Arg574Trp). This variant is present in population databases (rs762029178, gnomAD 0.04%). This variant has not been reported in the literature in individuals affected with CCDC88C-related conditions. ClinVar contains an entry for this variant (Variation ID: 2146914). An algorithm developed to predict the effect of missense changes on protein structure and function (PolyPhen-2) suggests that this variant is likely to be disruptive. In summary, the available evidence is currently insufficient to determine the role of this variant in disease. Therefore, it has been classified as a Variant of Uncertain Significance.

3billion
Classification: Likely benign for Hydrocephalus, nonsyndromic, autosomal recessive 1. Last evaluated: 2024-09-20. Review status: criteria provided, single submitter. Criteria: ACMG Guidelines, 2015. Collection method: clinical testing. Allele origin: germline. Affected: no.
Comment: The homozygous variant was found in patients diagnosed with another variant in a different gene, with no symptoms related to the gene containing the homozygous variant.

Ambry Genetics
Classification: Uncertain significance for Inborn genetic diseases. Last evaluated: 2023-09-23. Review status: criteria provided, single submitter. Criteria: Ambry Variant Classification Scheme 2023. Collection method: clinical testing. Allele origin: germline.